The following is an entry in ClinVar:

ClinVar aggregate classification (germline): Likely benign (0 of 4 stars; one submission).

Conditions:
FMN2-related disorder. Also called: FMN2-related condition.

Allele frequency attached by ClinVar (database versions not stated): gnomAD 0.00339.

Submission:

PreventionGenetics, part of Exact Sciences
Classification: Likely benign for FMN2-related condition. Last evaluated: 2022-06-14. Review status: no assertion criteria provided. Collection method: clinical testing. Allele origin: germline.
Comment: This variant is classified as likely benign based on ACMG/AMP sequence variant interpretation guidelines (Richards et al. 2015 PMID: 25741868, with internal and published modifications).

NM_020066.5(FMN2):c.3237A>T (p.Pro1079=)

Gene: FMN2 (formin 2; plus strand). Cytogenetic location: 1q43.
Variant type: single nucleotide variant.
Coding change: c.3237A>T on transcript NM_020066.5 (MANE Select); coding-DNA position 3237, A replaced by T.
Protein change: p.Pro1079=; no amino-acid change (proline 1079 retained).
Molecular consequence: synonymous variant. On other transcripts: intron variant (1).
Genome position (GRCh38, 1-based): chr1:240,208,049, A>T. VCF-style: chr1-240208049-A-T. GRCh37 (hg19) VCF-style: chr1-240371349-A-T.
Other names: c.3249A>T, p.Pro1083= (NM_001305424.2); c.1986+19787A>T (NM_001348094.2).
Identifiers: ClinVar variation 3052114 (VCV003052114.2), dbSNP rs141917612, ClinGen allele CA1477050.